The following is an entry in ClinVar:

ClinVar aggregate classification (germline): Uncertain significance (1 of 4 stars; one submission).

Allele frequency attached by ClinVar (database versions not stated): 1000 Genomes Project 0.00160.

Submission:

GeneDx
Classification: Uncertain significance. Last evaluated: 2020-01-31. Review status: criteria provided, single submitter. Criteria: GeneDx Variant Classification Process June 2021. Collection method: clinical testing. Allele origin: germline. Affected: yes.
Comment: Not observed in large population cohorts (Lek et al., 2016); In silico analysis supports that this missense variant does not alter protein structure/function; Has not been previously published as pathogenic or benign to our knowledge

NM_000484.4(APP):c.2011A>T (p.Met671Leu)

Gene: APP (amyloid beta precursor protein; minus strand). Cytogenetic location: 21q21.3.
Variant type: single nucleotide variant.
Coding change: c.2011A>T on transcript NM_000484.4 (MANE Select); coding-DNA position 2011, A replaced by T.
Protein change: p.Met671Leu; replaces methionine 671 with leucine.
Molecular consequence: missense variant.
Genome position (GRCh38, 1-based): chr21:25,897,626, T>A on the plus strand (A>T on the coding strand, the complement: APP is on the minus strand). VCF-style: chr21-25897626-T-A. GRCh37 (hg19) VCF-style: chr21-27269938-T-A.
Other names: c.1939A>T, p.Met647Leu (NM_001136016.3); c.1618A>T, p.Met540Leu (NM_001136129.3); c.1843A>T, p.Met615Leu (NM_001136130.3, NM_001385253.1); c.1681A>T, p.Met561Leu (NM_001136131.3); c.1957A>T, p.Met653Leu (NM_001204301.2); c.1900A>T, p.Met634Leu (NM_001204302.2); c.1732A>T, p.Met578Leu (NM_001204303.2); c.1954A>T, p.Met652Leu (NM_201413.3); and 1 more; short protein forms M540L, M561L, M578L, M596L, M615L, M634L, M647L, M652L.
Identifiers: ClinVar variation 1315088 (VCV001315088.2), dbSNP rs572842823, ClinGen allele CA319103456.